The following is an entry in ClinVar:

ClinVar aggregate classification (germline): Benign/Likely benign. Review status: criteria provided, multiple submitters, no conflicts (2 of 4 stars). 8 submissions from 8 submitters: Benign (3); Likely benign (5). Last evaluated 2026-01-18.

Conditions:
Desmoid disease, hereditary (DESMD). Also called: FIBROMATOSIS, FAMILIAL INFILTRATIVE. Identifiers: Orphanet 873, MedGen C1851124, OMIM 135290. Disease mechanism: loss of function.
Familial adenomatous polyposis 1 (FAP1). Also called: POLYPOSIS, ADENOMATOUS INTESTINAL; FAMILIAL ADENOMATOUS POLYPOSIS 1, ATTENUATED. Identifiers: MedGen C2713442, MONDO:0021056, OMIM 175100. Disease mechanism: loss of function.
Hereditary cancer-predisposing syndrome. Also called: Hereditary neoplastic syndrome; Neoplastic Syndromes, Hereditary; Tumor predisposition; Hereditary Cancer Syndrome. Identifiers: Orphanet 140162, MedGen C0027672, MeSH D009386, MONDO:0015356.
Classic or attenuated familial adenomatous polyposis. Identifiers: MedGen CN372698, MONDO:0021057.

Allele frequency attached by ClinVar (database versions not stated): gnomAD 0.00001; gnomAD exomes 0.00001 and 0.00008; TOPMed 0.00003; ExAC 0.00006.

Submissions (8):

Labcorp Genetics (formerly Invitae), Labcorp
Classification: Benign for Familial adenomatous polyposis 1. Last evaluated: 2026-01-18. Review status: criteria provided, single submitter. Criteria: Invitae Variant Classification Sherloc (09022015). Collection method: clinical testing. Allele origin: germline.

Myriad Genetics, Inc.
Classification: Benign for Familial adenomatous polyposis 1. Last evaluated: 2024-03-11. Review status: criteria provided, single submitter. Criteria: Myriad Autosomal Dominant, Autosomal Recessive and X-Linked Classification Criteria (2023). Collection method: clinical testing. Allele origin: unknown.
Comment: This variant is considered benign. This variant is a silent/synonymous amino acid change and it is not expected to impact splicing.

All of Us Research Program, National Institutes of Health
Classification: Likely benign for Classic or attenuated familial adenomatous polyposis. Last evaluated: 2023-10-23. Review status: criteria provided, single submitter. Criteria: ACMG Guidelines, 2015. Collection method: clinical testing. Allele origin: germline. Inheritance: Autosomal dominant inheritance. Observed: 3 variant alleles, 3 heterozygotes.
Comment: This study involves interpretation of variants in research participants for the purpose of population health screening. Participant phenotype was not available at the time of variant classification. Additional details can be found in publication PMID: 35346344, PMCID: PMC8962531

Quest Diagnostics Nichols Institute San Juan Capistrano
Classification: Benign. Last evaluated: 2023-01-27. Review status: criteria provided, single submitter. Criteria: Quest Diagnostics criteria. Collection method: clinical testing. Allele origin: unknown.

Department of Pathology and Laboratory Medicine, Sinai Health System
Classification: Likely benign for Familial adenomatous polyposis 1; Desmoid disease, hereditary. Last evaluated: 2021-03-10. Review status: criteria provided, single submitter. Criteria: ACMG Guidelines, 2015. Collection method: clinical testing. Allele origin: germline. Affected: yes.

GeneDx
Classification: Likely benign. Last evaluated: 2019-12-01. Review status: criteria provided, single submitter. Criteria: GeneDx Variant Classification Process June 2021. Collection method: clinical testing. Allele origin: germline. Affected: yes.
Comment: This variant is associated with the following publications: (PMID: 28978093)

Color Diagnostics, LLC DBA Color Health
Classification: Likely benign for Hereditary cancer-predisposing syndrome. Last evaluated: 2016-06-21. Review status: criteria provided, single submitter. Criteria: ACMG Guidelines, 2015. Collection method: clinical testing. Allele origin: germline.

Ambry Genetics
Classification: Likely benign for Hereditary cancer-predisposing syndrome. Last evaluated: 2015-02-11. Review status: criteria provided, single submitter. Criteria: Ambry Variant Classification Scheme 2023. Collection method: clinical testing. Allele origin: germline.

NM_000038.6(APC):c.2277C>T (p.Ala759=)

Gene: APC (APC regulator of Wnt signaling pathway; plus strand). Cytogenetic location: 5q22.2.
Variant type: single nucleotide variant.
Coding change: c.2277C>T on transcript NM_000038.6 (MANE Select); coding-DNA position 2277, C replaced by T.
Protein change: p.Ala759=; no amino-acid change (alanine 759 retained).
Molecular consequence: synonymous variant.
Genome position (GRCh38, 1-based): chr5:112,837,871, C>T. VCF-style: chr5-112837871-C-T. GRCh37 (hg19) VCF-style: chr5-112173568-C-T.
Other names: c.2277C>T, p.Ala759= (NM_001127510.3, NM_001354895.2); c.2223C>T, p.Ala741= (NM_001127511.3); c.2331C>T, p.Ala777= (NM_001354896.2); c.2307C>T, p.Ala769= (NM_001354897.2); c.2202C>T, p.Ala734= (NM_001354898.2); c.2193C>T, p.Ala731= (NM_001354899.2); c.2154C>T, p.Ala718= (NM_001354900.2); c.2100C>T, p.Ala700= (NM_001354901.2); and 5 more.
Identifiers: ClinVar variation 215554 (VCV000215554.24), dbSNP rs762441650, ClinGen allele CA031598.